The following is an entry in ClinVar:

NM_014806.5(RUSC2):c.1004A>T (p.Tyr335Phe)

Gene: RUSC2 (RUN and SH3 domain containing 2; plus strand). Cytogenetic location: 9p13.3.
Variant type: single nucleotide variant.
Coding change: c.1004A>T on transcript NM_014806.5 (MANE Select); coding-DNA position 1004, A replaced by T.
Protein change: p.Tyr335Phe; replaces tyrosine 335 with phenylalanine.
Molecular consequence: missense variant. On other transcripts: non-coding transcript variant (1), intron variant (1).
Genome position (GRCh38, 1-based): chr9:35,547,525, A>T. VCF-style: chr9-35547525-A-T. GRCh37 (hg19) VCF-style: chr9-35547522-A-T.
Other names: c.1004A>T, p.Tyr335Phe (NM_001135999.2); c.-620-7535A>T (NM_001330740.2); short protein forms Y335F.
Identifiers: ClinVar variation 4770286 (VCV004770286.1).

ClinVar aggregate classification (germline): Uncertain significance (1 of 4 stars; one submission).

Submission:

Labcorp Genetics (formerly Invitae), Labcorp
Classification: Uncertain significance. Last evaluated: 2025-11-17. Review status: criteria provided, single submitter. Criteria: Invitae Variant Classification Sherloc (09022015). Collection method: clinical testing. Allele origin: germline.
Comment: This sequence change replaces tyrosine, which is neutral and polar, with phenylalanine, which is neutral and non-polar, at codon 335 of the RUSC2 protein (p.Tyr335Phe). This variant is not present in population databases (gnomAD no frequency). This variant has not been reported in the literature in individuals affected with RUSC2-related conditions. An algorithm developed to predict the effect of missense changes on protein structure and function (PolyPhen-2) suggests that this variant is likely to be tolerated. In summary, the available evidence is currently insufficient to determine the role of this variant in disease. Therefore, it has been classified as a Variant of Uncertain Significance.